The following is an entry in ClinVar:

ClinVar aggregate classification (germline): Uncertain significance. Review status: criteria provided, multiple submitters, no conflicts (2 of 4 stars). 7 submissions from 7 submitters: Uncertain significance (7). Last evaluated 2026-04-16.

Conditions:
PLEC-related disorder. Also called: PLEC-related disorders; PLEC-related condition.
Autosomal recessive limb-girdle muscular dystrophy type 2Q (LGMDR17). Also called: MUSCULAR DYSTROPHY, LIMB-GIRDLE, AUTOSOMAL RECESSIVE 17. Identifiers: Orphanet 254361, MedGen C3150989, MONDO:0013390, OMIM 613723.
Epidermolysis bullosa simplex 5B, with muscular dystrophy (EBS5B). Also called: EPIDERMOLYSIS BULLOSA SIMPLEX AND LIMB-GIRDLE MUSCULAR DYSTROPHY; Epidermolysis bullosa simplex with muscular dystrophy. Identifiers: Orphanet 257, MedGen C2931072, MONDO:0009181, OMIM 226670.
Epidermolysis bullosa simplex with nail dystrophy (EBS5D). Identifiers: MedGen C4225309, MONDO:0014661, OMIM 616487.
Epidermolysis bullosa simplex, Ogna type (EBS5A). Also called: Pidermolysis bullosa simplex 5A, Ogna type; EPIDERMOLYSIS BULLOSA SIMPLEX 5A, OGNA TYPE. Identifiers: Orphanet 79401, MedGen C0432317, MONDO:0007555, OMIM 131950.
Epidermolysis bullosa simplex 5C, with pyloric atresia (EBS5C). Also called: PLEC1-Related Epidermolysis Bullosa with Pyloric Atresia; PLEC-Related Epidermolysis Bullosa with Pyloric Atresia; Epidermolysis bullosa simplex with pyloric atresia. Identifiers: Orphanet 158684, MedGen C2677349, MONDO:0012807, OMIM 612138.
Inborn genetic diseases. Identifiers: MedGen C0950123, MeSH D030342.

Allele frequency attached by ClinVar (database versions not stated): gnomAD exomes 0.00002 and 0.00004; TOPMed 0.00002; ExAC 0.00003; gnomAD 0.00003.
gnomAD v4.1: 38 of 1,613,038 alleles (0.0024%); highest among the groups gnomAD compares: Middle Eastern, 0.033%; no homozygotes.

Submissions (7):

PreventionGenetics, part of Exact Sciences
Classification: Uncertain significance for PLEC-related condition. Last evaluated: 2026-04-16. Review status: criteria provided, single submitter. Criteria: ACMG Guidelines, 2015. Collection method: clinical testing. Allele origin: germline.
Comment: The PLEC c.8896C>T variant is predicted to result in the amino acid substitution p.Arg2966Trp. To our knowledge, this variant has not been reported in the literature. This variant is reported in 0.020% of alleles in individuals of East Asian descent in gnomAD. At this time, the clinical significance of this variant is uncertain due to the absence of conclusive functional and genetic evidence.

Ambry Genetics
Classification: Uncertain significance for Inborn genetic diseases. Last evaluated: 2025-08-25. Review status: criteria provided, single submitter. Criteria: Ambry Variant Classification Scheme 2023. Collection method: clinical testing. Allele origin: germline.

Blueprint Genetics
Classification: Uncertain significance. Last evaluated: 2024-10-14. Review status: criteria provided, single submitter. Criteria: ACMG Guidelines, 2015. Collection method: clinical testing. Allele origin: germline.

Labcorp Genetics (formerly Invitae), Labcorp
Classification: Uncertain significance for Autosomal recessive limb-girdle muscular dystrophy type 2Q; Epidermolysis bullosa simplex, Ogna type; Epidermolysis bullosa simplex with nail dystrophy; Epidermolysis bullosa simplex 5C, with pyloric atresia; Epidermolysis bullosa simplex 5B, with muscular dystrophy. Last evaluated: 2024-06-16. Review status: criteria provided, single submitter. Criteria: Invitae Variant Classification Sherloc (09022015). Collection method: clinical testing. Allele origin: germline.
Comment: This sequence change replaces arginine, which is basic and polar, with tryptophan, which is neutral and slightly polar, at codon 2966 of the PLEC protein (p.Arg2966Trp). This variant is present in population databases (rs782575301, gnomAD 0.02%). This variant has not been reported in the literature in individuals affected with PLEC-related conditions. ClinVar contains an entry for this variant (Variation ID: 392300). An algorithm developed to predict the effect of missense changes on protein structure and function (PolyPhen-2) suggests that this variant is likely to be disruptive. In summary, the available evidence is currently insufficient to determine the role of this variant in disease. Therefore, it has been classified as a Variant of Uncertain Significance.

Revvity Omics, Revvity
Classification: Uncertain significance. Last evaluated: 2021-09-16. Review status: criteria provided, single submitter. Criteria: ACMG Guidelines, 2015. Collection method: clinical testing. Allele origin: germline.

Eurofins Ntd Llc (ga)
Classification: Uncertain significance. Last evaluated: 2018-03-27. Review status: criteria provided, single submitter. Criteria: EGL ClinVar v180209 classification definitions. Collection method: clinical testing. Allele origin: germline. Observed: 1 variant allele, 1 heterozygote.

GeneDx
Classification: Uncertain significance. Last evaluated: 2017-01-17. Review status: criteria provided, single submitter. Criteria: GeneDx Variant Classification (06012015). Collection method: clinical testing. Allele origin: germline. Affected: yes.
Comment: The R2966W variant in the PLEC gene has not been reported previously as a pathogenic variant, nor as a benign variant, to our knowledge. The R2966W variant was not observed in approximately 6,400 individuals of European and African American ancestry in the NHLBI Exome Sequencing Project, indicating it is not a common benign variant in these populations. The R2966W variant is a non-conservative amino acid substitution, which is likely to impact secondary protein structure as these residues differ in polarity, charge, size and/or other properties. This substitution occurs at a position where amino acids with similar properties to Arginine are tolerated across species. In silico analysis predicts this variant is probably damaging to the protein structure/function. We interpret R2966W as a variant of uncertain significance.

NM_201384.3(PLEC):c.8815C>T (p.Arg2939Trp)

Gene: PLEC (plectin; minus strand). Cytogenetic location: 8q24.3.
Variant type: single nucleotide variant.
Coding change: c.8815C>T on transcript NM_201384.3 (MANE Select); coding-DNA position 8815, C replaced by T.
Protein change: p.Arg2939Trp; replaces arginine 2939 with tryptophan.
Molecular consequence: missense variant.
Genome position (GRCh38, 1-based): chr8:143,921,006, G>A on the plus strand (C>T on the coding strand, the complement: PLEC is on the minus strand). VCF-style: chr8-143921006-G-A. GRCh37 (hg19) VCF-style: chr8-144995174-G-A.
Other names: c.8896C>T (NM_000445.4); c.8896C>T, p.Arg2966Trp (NM_000445.5); c.8773C>T, p.Arg2925Trp (NM_201378.4); c.8749C>T, p.Arg2917Trp (NM_201379.3); c.9226C>T, p.Arg3076Trp (NM_201380.4); c.8719C>T, p.Arg2907Trp (NM_201381.3); c.8815C>T, p.Arg2939Trp (NM_201382.4); c.8827C>T, p.Arg2943Trp (NM_201383.3); short protein forms R2907W, R2917W, R2925W, R2939W, R2943W, R2966W, R3076W.
Identifiers: ClinVar variation 392300 (VCV000392300.17), dbSNP rs782575301, ClinGen allele CA4925174.